The following is an entry in ClinVar:

ClinVar aggregate classification (germline): Uncertain significance. Review status: criteria provided, multiple submitters, no conflicts (2 of 4 stars). 2 submissions from 2 submitters: Uncertain significance (2). Last evaluated 2022-09-14.

Conditions:
Inborn genetic diseases. Identifiers: MedGen C0950123, MeSH D030342.
Generalized epilepsy with febrile seizures plus, type 7 (GEFSP7). Also called: GEFS+, TYPE 7. Identifiers: Orphanet 36387, MedGen C2751778, MONDO:0013470, OMIM 613863.
Neuropathy, hereditary sensory and autonomic, type 2A (HSAN2A). Also called: HSAN IIA; MORVAN DISEASE; NEUROPATHY, CONGENITAL SENSORY; NEUROPATHY, HEREDITARY SENSORY RADICULAR, AUTOSOMAL RECESSIVE; NEUROPATHY, HEREDITARY SENSORY, TYPE IIA; NEUROPATHY, PROGRESSIVE SENSORY, OF CHILDREN. Identifiers: Orphanet 970, MedGen C2752089, MONDO:0024309, OMIM 201300.

gnomAD v4.1: 1 of 1,614,048 alleles (0.000062%); highest among the groups gnomAD compares: Non-Finnish European, 0.000085%; no homozygotes.

Submissions (2):

Ambry Genetics
Classification: Uncertain significance for Inborn genetic diseases. Last evaluated: 2022-09-14. Review status: criteria provided, single submitter. Criteria: Ambry Variant Classification Scheme 2023. Collection method: clinical testing. Allele origin: germline.

Labcorp Genetics (formerly Invitae), Labcorp
Classification: Uncertain significance for Neuropathy, hereditary sensory and autonomic, type 2A; Generalized epilepsy with febrile seizures plus, type 7. Last evaluated: 2022-08-16. Review status: criteria provided, single submitter. Criteria: Invitae Variant Classification Sherloc (09022015). Collection method: clinical testing. Allele origin: germline.
Comment: Algorithms developed to predict the effect of missense changes on protein structure and function are either unavailable or do not agree on the potential impact of this missense change (SIFT: "Deleterious"; PolyPhen-2: "Benign"; Align-GVGD: "Class C25"). In summary, the available evidence is currently insufficient to determine the role of this variant in disease. Therefore, it has been classified as a Variant of Uncertain Significance. This sequence change replaces alanine, which is neutral and non-polar, with proline, which is neutral and non-polar, at codon 854 of the SCN9A protein (p.Ala854Pro). This variant is not present in population databases (gnomAD no frequency). This variant has not been reported in the literature in individuals affected with SCN9A-related conditions.

NM_001365536.1(SCN9A):c.2593G>C (p.Ala865Pro)

Genes: SCN9A (sodium voltage-gated channel alpha subunit 9; minus strand), SCN1A-AS1 (SCN1A and SCN9A antisense RNA 1; plus strand). Cytogenetic location: 2q24.3.
Variant type: single nucleotide variant.
Coding change: c.2593G>C on transcript NM_001365536.1 (MANE Select); coding-DNA position 2593, G replaced by C.
Protein change: p.Ala865Pro; replaces alanine 865 with proline.
Molecular consequence: missense variant.
Genome position (GRCh38, 1-based): chr2:166,277,264, C>G on the plus strand (G>C on the coding strand, the complement: SCN9A is on the minus strand). VCF-style: chr2-166277264-C-G. GRCh37 (hg19) VCF-style: chr2-167133774-C-G.
Other names: c.2560G>C, p.Ala854Pro (NM_002977.4); short protein forms A854P, A865P.
Identifiers: ClinVar variation 2143676 (VCV002143676.5), dbSNP rs2468003867, ClinGen allele CA349077998.